The following is an entry in ClinVar:

NM_203288.2(RP9):c.47GGC[3] (p.Arg17_Pro18insArg)

Genes: RP9 (RP9 pre-mRNA splicing factor; minus strand), LOC129998225 (ATAC-STARR-seq lymphoblastoid silent region 18090; plus strand). Cytogenetic location: 7p14.3.
Variant type: Microsatellite.
Coding change: c.47GGC[3] on transcript NM_203288.2 (MANE Select); three copies in a row of the 3-base unit GGC starting at c.47; the reference has two copies in a row; one copy, 3 bases duplicated.
Protein change: p.Arg17_Pro18insArg.
Molecular consequence: inframe insertion.
Genome position (GRCh38, 1-based): chr7:33,109,321-33,109,323, GCC duplicated on the plus strand (GGC on the coding strand, the reverse complement: RP9 is on the minus strand); duplicating any 3 consecutive bases within chr7:33,109,321-33,109,328 gives the same sequence; the position shown is the placement nearest the transcript's 3' end. VCF-style (leftmost placement, unchanged base first): chr7-33109320-G-GGCC. GRCh37 (hg19) VCF-style: chr7-33148932-G-GGCC.
Identifiers: ClinVar variation 2128960 (VCV002128960.4), dbSNP rs2534927531, ClinGen allele CA2580615872.
Genomic context (GRCh38, chr7:33,109,320, plus strand): 5'-TCGTGTCGCCGCCGCTTCTGCTCCCGACGTCGCTGCAGCTCCTGCTCCGGCGGCTCACGC[G>GGCC]GCCGCCGCGCGCCCGCAGCCCCCACGTCCTCGCGCCCAGGCCGGGACGACATGTCAGCCC-3'

ClinVar aggregate classification (germline): Uncertain significance (1 of 4 stars; one submission).

Submission:

Labcorp Genetics (formerly Invitae), Labcorp
Classification: Uncertain significance. Last evaluated: 2024-07-04. Review status: criteria provided, single submitter. Criteria: Invitae Variant Classification Sherloc (09022015). Collection method: clinical testing. Allele origin: germline.
Comment: This variant, c.50_52dup, results in the insertion of 1 amino acid(s) of the RP9 protein (p.Arg17dup), but otherwise preserves the integrity of the reading frame. This variant is not present in population databases (gnomAD no frequency). This variant has not been reported in the literature in individuals affected with RP9-related conditions. In summary, the available evidence is currently insufficient to determine the role of this variant in disease. Therefore, it has been classified as a Variant of Uncertain Significance.